The following is an entry in ClinVar:

ClinVar aggregate classification (germline): Benign/Likely benign. Review status: criteria provided, multiple submitters, no conflicts (2 of 4 stars). 3 submissions from 3 submitters: Benign (1); Likely benign (2). Last evaluated 2025-10-07.

Conditions:
Hereditary cancer-predisposing syndrome. Also called: Hereditary Cancer Syndrome; Tumor predisposition; Neoplastic Syndromes, Hereditary; Hereditary neoplastic syndrome. Identifiers: Orphanet 140162, MedGen C0027672, MeSH D009386, MONDO:0015356.
Familial cancer of breast. Also called: BREAST CANCER, FAMILIAL; Hereditary breast cancer; hereditary breast carcinoma. Identifiers: Orphanet 227535, MedGen C0346153, MONDO:0016419, OMIM 114480. Disease mechanism: loss of function.

gnomAD v4.1: 1 of 1,614,162 alleles (0.000062%); highest among the groups gnomAD compares: Non-Finnish European, 0.000085%; no homozygotes.

Submissions (3):

Ambry Genetics
Classification: Likely benign for Hereditary cancer-predisposing syndrome. Last evaluated: 2025-10-07. Review status: criteria provided, single submitter. Criteria: Ambry Variant Classification Scheme 2023. Collection method: clinical testing. Allele origin: germline.

Myriad Genetics, Inc.
Classification: Benign for Familial cancer of breast. Last evaluated: 2025-01-14. Review status: criteria provided, single submitter. Criteria: Myriad Autosomal Dominant, Autosomal Recessive and X-Linked Classification Criteria (2023). Collection method: clinical testing. Allele origin: unknown.
Comment: This variant is considered benign. This variant is a silent/synonymous amino acid change and it is not expected to impact splicing.

Labcorp Genetics (formerly Invitae), Labcorp
Classification: Likely benign for Familial cancer of breast. Last evaluated: 2023-01-12. Review status: criteria provided, single submitter. Criteria: Invitae Variant Classification Sherloc (09022015). Collection method: clinical testing. Allele origin: germline.

NM_024675.4(PALB2):c.1563C>T (p.Thr521=)

Gene: PALB2 (partner and localizer of BRCA2; minus strand). Cytogenetic location: 16p12.2.
Variant type: single nucleotide variant.
Coding change: c.1563C>T on transcript NM_024675.4 (MANE Select); coding-DNA position 1563, C replaced by T.
Protein change: p.Thr521=; no amino-acid change (threonine 521 retained).
Molecular consequence: synonymous variant.
Genome position (GRCh38, 1-based): chr16:23,634,983, G>A on the plus strand (C>T on the coding strand, the complement: PALB2 is on the minus strand). VCF-style: chr16-23634983-G-A. GRCh37 (hg19) VCF-style: chr16-23646304-G-A.
Identifiers: ClinVar variation 704079 (VCV000704079.13), dbSNP rs864622170, ClinGen allele CA494461277.